The following is an entry in ClinVar:

NM_002047.4(GARS1):c.93G>A (p.Leu31=)

Gene: GARS1 (glycyl-tRNA synthetase 1; plus strand). Cytogenetic location: 7p14.3.
Variant type: single nucleotide variant.
Coding change: c.93G>A on transcript NM_002047.4 (MANE Select); coding-DNA position 93, G replaced by A.
Protein change: p.Leu31=; no amino-acid change (leucine 31 retained).
Molecular consequence: synonymous variant. On other transcripts: 5 prime UTR variant (1).
Genome position (GRCh38, 1-based): chr7:30,595,014, G>A. VCF-style: chr7-30595014-G-A. GRCh37 (hg19) VCF-style: chr7-30634630-G-A.
Other names: c.93G>A (LRG_243t1); c.-70G>A (NM_001316772.1).
Identifiers: ClinVar variation 390140 (VCV000390140.3), dbSNP rs2529438, ClinGen allele CA16605777.

ClinVar aggregate classification (germline): Likely benign. Review status: criteria provided, multiple submitters, no conflicts (2 of 4 stars). 2 submissions from 2 submitters: Likely benign (2). Last evaluated 2019-07-11.

gnomAD v4.1: 2 of 1,580,308 alleles (0.00013%); highest among the groups gnomAD compares: Non-Finnish European, 0.00017%; no homozygotes.

Submissions (2):

Ambry Genetics
Classification: Likely benign. Last evaluated: 2019-07-11. Review status: criteria provided, single submitter. Criteria: Ambry Variant Classification Scheme 2023. Collection method: clinical testing. Allele origin: germline.

GeneDx
Classification: Likely benign. Last evaluated: 2016-10-21. Review status: criteria provided, single submitter. Criteria: GeneDx Variant Classification (06012015). Collection method: clinical testing. Allele origin: germline. Affected: yes.
Comment: This variant is considered likely benign or benign based on one or more of the following criteria: it is a conservative change, it occurs at a poorly conserved position in the protein, it is predicted to be benign by multiple in silico algorithms, and/or has population frequency not consistent with disease.